The following is an entry in ClinVar:

ClinVar aggregate classification (germline): Benign/Likely benign. Review status: criteria provided, multiple submitters, no conflicts (2 of 4 stars). 3 submissions from 3 submitters: Benign (1); Likely benign (2). Last evaluated 2024-10-28.

Conditions:
Inborn genetic diseases. Identifiers: MedGen C0950123, MeSH D030342.
Intellectual developmental disorder, X-linked 1. Also called: Intellectual disability, X-linked 1; Atkin Flaitz Patil Smith syndrome; MENTAL RETARDATION, X-LINKED 18; MENTAL RETARDATION, X-LINKED 78. Identifiers: Orphanet 777, MedGen C2931498, MONDO:0010656, OMIM 309530.

Allele frequency attached by ClinVar (database versions not stated): gnomAD exomes 0.00004 and 0.00005; ExAC 0.00008; 1000 Genomes Project 0.00026; TOPMed 0.00003; gnomAD 0.00005; 1000 Genomes Project 30x 0.00021.
gnomAD v4.1: 55 of 1,209,839 alleles (0.0045%); highest among the groups gnomAD compares: Middle Eastern, 0.023%; no homozygotes.

Submissions (3):

Labcorp Genetics (formerly Invitae), Labcorp
Classification: Benign for Intellectual developmental disorder, X-linked 1. Last evaluated: 2024-10-28. Review status: criteria provided, single submitter. Criteria: Invitae Variant Classification Sherloc (09022015). Collection method: clinical testing. Allele origin: germline.

Ambry Genetics
Classification: Likely benign for Inborn genetic diseases. Last evaluated: 2017-01-23. Review status: criteria provided, single submitter. Criteria: Ambry Variant Classification Scheme 2023. Collection method: clinical testing. Allele origin: germline.

GeneDx
Classification: Likely benign. Last evaluated: 2016-10-18. Review status: criteria provided, single submitter. Criteria: GeneDx Variant Classification (06012015). Collection method: clinical testing. Allele origin: germline. Affected: yes.
Comment: This variant is considered likely benign or benign based on one or more of the following criteria: it is a conservative change, it occurs at a poorly conserved position in the protein, it is predicted to be benign by multiple in silico algorithms, and/or has population frequency not consistent with disease.

NM_001111125.3(IQSEC2):c.1449G>A (p.Pro483=)

Gene: IQSEC2 (IQ motif and Sec7 domain ArfGEF 2; minus strand). Cytogenetic location: Xp11.22.
Variant type: single nucleotide variant.
Coding change: c.1449G>A on transcript NM_001111125.3 (MANE Select); coding-DNA position 1449, G replaced by A.
Protein change: p.Pro483=; no amino-acid change (proline 483 retained).
Molecular consequence: synonymous variant.
Genome position (GRCh38, 1-based): chrX:53,251,127, C>T on the plus strand (G>A on the coding strand, the complement: IQSEC2 is on the minus strand). VCF-style: chrX-53251127-C-T. GRCh37 (hg19) VCF-style: chrX-53280309-C-T.
Other names: c.834G>A, p.Pro278= (NM_015075.2).
Identifiers: ClinVar variation 390121 (VCV000390121.16), dbSNP rs200629644, ClinGen allele CA10420055.